The following is an entry in ClinVar:

ClinVar aggregate classification (germline): Uncertain significance (1 of 4 stars; one submission).

Conditions:
Inborn genetic diseases. Identifiers: MedGen C0950123, MeSH D030342.

Submission:

Ambry Genetics
Classification: Uncertain significance for Inborn genetic diseases. Last evaluated: 2023-11-10. Review status: criteria provided, single submitter. Criteria: Ambry Variant Classification Scheme 2023. Collection method: clinical testing. Allele origin: germline.
Comment: The p.A2010V variant (also known as c.6029C>T), located in coding exon 41 of the LRRK2 gene, results from a C to T substitution at nucleotide position 6029. The alanine at codon 2010 is replaced by valine, an amino acid with similar properties. This amino acid position is conserved. In addition, the in silico prediction for this alteration is inconclusive. Since supporting evidence is limited at this time, the clinical significance of this alteration remains unclear.

NM_198578.4(LRRK2):c.6029C>T (p.Ala2010Val)

Gene: LRRK2 (leucine rich repeat kinase 2; plus strand). Cytogenetic location: 12q12.
Variant type: single nucleotide variant.
Coding change: c.6029C>T on transcript NM_198578.4 (MANE Select); coding-DNA position 6029, C replaced by T.
Protein change: p.Ala2010Val; replaces alanine 2010 with valine.
Molecular consequence: missense variant.
Genome position (GRCh38, 1-based): chr12:40,340,374, C>T. VCF-style: chr12-40340374-C-T. GRCh37 (hg19) VCF-style: chr12-40734176-C-T.
Other names: short protein forms A2010V.
Identifiers: ClinVar variation 3229721 (VCV003229721.1), dbSNP rs2499948110, ClinGen allele CA384403867.